The following is an entry in ClinVar:

NM_024911.7(WLS):c.702G>C (p.Trp234Cys)

Genes: GNG12-AS1 (GNG12, DIRAS3 and WLS antisense RNA 1; plus strand), WLS (Wnt ligand secretion mediator; minus strand). Cytogenetic location: 1p31.3.
Variant type: single nucleotide variant.
Coding change: c.702G>C on transcript NM_024911.7 (MANE Select); coding-DNA position 702, G replaced by C.
Protein change: p.Trp234Cys; replaces tryptophan 234 with cysteine.
Molecular consequence: missense variant.
Genome position (GRCh38, 1-based): chr1:68,153,618, C>G on the plus strand (G>C on the coding strand, the complement: WLS is on the minus strand). VCF-style: chr1-68153618-C-G. GRCh37 (hg19) VCF-style: chr1-68619301-C-G.
Other names: c.696G>C, p.Trp232Cys (NM_001002292.4); c.429G>C, p.Trp143Cys (NM_001193334.1); c.696G>C (NM_001002292.3); short protein forms W143C, W232C, W234C.
Identifiers: ClinVar variation 2584858 (VCV002584858.2), dbSNP rs566622107, ClinGen allele CA901852.
Genomic context (GRCh38, chr1:68,153,618, plus strand): 5'-CCTCCAATACCACACCATAATGATGAAGATGCTGGGCGTAAGGAAGGTCTTCATGGCAAA[C>G]CACACCTTGGTGAAGCCTCCATTTTGGTGGATCCCCTAGGCAGAGACCAGTGATAATTTT-3'
Protein context (NP_079187.3, residues 224-244): IHQNGGFTKV[Trp234Cys]FAMKTFLTPS

ClinVar aggregate classification (germline): Uncertain significance. Review status: criteria provided, multiple submitters, no conflicts (2 of 4 stars). 2 submissions from 2 submitters: Uncertain significance (2). Last evaluated 2024-08-05.

Conditions:
Zaki syndrome. Also called: MICROCEPHALY, PROGRESSIVE, WITH DEVELOPMENTAL DELAY, CUPPED EARS, AND DYSMORPHIC FEATURES. Identifiers: MedGen C5562037, MONDO:0859209, OMIM 619648.

Allele frequency attached by ClinVar (database versions not stated): TOPMed 0.00001; gnomAD 0.00002; gnomAD exomes 0.00004; ExAC 0.00012.
gnomAD v4.1: 59 of 1,614,084 alleles (0.0037%); highest among the groups gnomAD compares: South Asian, 0.056%; no homozygotes.

Submissions (2):

Ambry Genetics
Classification: Uncertain significance. Last evaluated: 2024-08-05. Review status: criteria provided, single submitter. Criteria: Ambry Variant Classification Scheme 2023. Collection method: clinical testing. Allele origin: germline.

Neuberg Centre For Genomic Medicine, NCGM
Classification: Uncertain significance for Zaki syndrome. Review status: criteria provided, single submitter. Criteria: ACMG Guidelines, 2015. Collection method: clinical testing. Allele origin: germline. Inheritance: Autosomal recessive inheritance. Affected: yes.
Comment: The missense variant c.702G>C(p.Trp234Cys) in WLS gene has not been reported previously as a pathogenic variant nor as a benign variant, to our knowledge. The p.Trp234Cys variant has allele frequency 0.01% in gnomAD exomes and novel (not in any individuals) in 1000 Genomes. This variant has not been reported to the ClinVar database. The amino acid Trp at position 234 is changed to a Cys changing protein sequence and it might alter its composition and physico-chemical properties. The amino acid change p.Trp234Cys in WLS is predicted as conserved by GERP++ and PhyloP across 100 vertebrates. For these reasons, this variant has been classified as Uncertain Significance (VUS).